The following is an entry in ClinVar:

ClinVar aggregate classification (germline): Uncertain significance (1 of 4 stars; one submission).

Conditions:
Inborn genetic diseases. Identifiers: MedGen C0950123, MeSH D030342.

Submission:

Ambry Genetics
Classification: Uncertain significance for Inborn genetic diseases. Last evaluated: 2026-05-01. Review status: criteria provided, single submitter. Criteria: Ambry Variant Classification Scheme 2023. Collection method: clinical testing. Allele origin: germline.
Comment: The p.G88R variant (also known as c.262G>C), located in coding exon 2 of the G6PC3 gene, results from a G to C substitution at nucleotide position 262. The glycine at codon 88 is replaced by arginine, an amino acid with dissimilar properties. This amino acid position is conserved. In addition, this alteration is predicted to be tolerated by in silico analysis. Based on the available evidence, the clinical significance of this variant remains unclear.

NM_138387.4(G6PC3):c.262G>C (p.Gly88Arg)

Gene: G6PC3 (glucose-6-phosphatase catalytic subunit 3; plus strand). Cytogenetic location: 17q21.31.
Variant type: single nucleotide variant.
Coding change: c.262G>C on transcript NM_138387.4 (MANE Select); coding-DNA position 262, G replaced by C.
Protein change: p.Gly88Arg; replaces glycine 88 with arginine.
Molecular consequence: missense variant. On other transcripts: 5 prime UTR variant (4).
Genome position (GRCh38, 1-based): chr17:44,074,203, G>C. VCF-style: chr17-44074203-G-C. GRCh37 (hg19) VCF-style: chr17-42151571-G-C.
Other names: c.262G>C, p.Gly88Arg (NM_001319945.2); c.-84G>C (NM_001384165.1, NM_001384166.1, NM_001384167.1 and 1 more transcripts); short protein forms G88R.
Identifiers: ClinVar variation 4871596 (VCV004871596.1).